The following is an entry in ClinVar:

NM_000128.4(F11):c.1018_1025delinsC (p.Asn340fs)

Gene: F11 (coagulation factor XI; plus strand). Cytogenetic location: 4q35.2.
Variant type: Indel.
Coding change: c.1018_1025delinsC on transcript NM_000128.4 (MANE Select); coding-DNA positions 1018 to 1025, AACGAAGG replaced by C.
Protein change: p.Asn340fs; shifts the reading frame from asparagine 340.
Molecular consequence: frameshift variant.
Genome position (GRCh38, 1-based): chr4:186,280,375-186,280,382, AACGAAGG replaced by C. VCF-style: chr4-186280375-AACGAAGG-C. GRCh37 (hg19) VCF-style: chr4-187201529-AACGAAGG-C.
Other names: c.970_977delinsC, p.Asn324fs (NM_001440590.1, NM_001440596.1); c.1018_1025delinsC, p.Asn340fs (NM_001440593.1); c.748_755delinsC, p.Asn250fs (NM_001440605.1, NM_001440607.1); c.700_707delinsC, p.Asn234fs (NM_001440606.1, NM_001440608.1); short protein forms N234fs, N250fs, N324fs, N340fs.
Identifiers: ClinVar variation 5016215 (VCV005016215.1).

ClinVar aggregate classification (germline): Pathogenic (1 of 4 stars; one submission).

Conditions:
Hereditary factor XI deficiency disease. Also called: PLASMA THROMBOPLASTIN ANTECEDENT DEFICIENCY; PTA DEFICIENCY; ROSENTHAL SYNDROME; Congenital factor XI deficiency. Identifiers: Orphanet 329, MedGen C0015523, MeSH D005173, MONDO:0012897, OMIM 612416.

Submission:

Myriad Genetics, Inc.
Classification: Pathogenic for Hereditary factor XI deficiency disease. Last evaluated: 2024-05-14. Review status: criteria provided, single submitter. Criteria: Myriad Autosomal Dominant, Autosomal Recessive and X-Linked Classification Criteria (2023). Collection method: clinical testing. Allele origin: unknown.
Comment: NM_000128.3(F11):c.1018_1025del8ins1(N340Rfs*7) is expected to be pathogenic in the context of factor XI deficiency. This variant is predicted to lead to an abnormal or absent protein product due to the creation of a premature termination codon in F11, a gene where loss-of-function variants are known to be pathogenic. Please note: this variant was assessed in the context of healthy population screening.